The following is an entry in ClinVar:

ClinVar aggregate classification (germline): Pathogenic. Review status: criteria provided, multiple submitters, no conflicts (2 of 4 stars). 3 submissions from 3 submitters: Pathogenic (2). 1 of the submissions does not count toward it. Last evaluated 2023-06-12.

Conditions:
OPA1-related disorder. Also called: OPA1-related condition; OPA1-related disorders.

Submissions (3):

GeneDx
Classification: Pathogenic. Last evaluated: 2023-06-12. Review status: criteria provided, single submitter. Criteria: GeneDx Variant Classification Process June 2021. Collection method: clinical testing. Allele origin: germline. Affected: yes.
Comment: Identified in patients with features of OPA1-related optic atrophy spectrum disorder referred for genetic testing at GeneDx and in published literature (Yu-Wai-Man et al., 2011; Nakamura et al., 2006); Not observed at significant frequency in large population cohorts (gnomAD); In silico analysis supports that this missense variant has a deleterious effect on protein structure/function; This variant is associated with the following publications: (PMID: 29034899, 16513463, 23384603, 32025183, 20952381, 20185555, 22433900, 18158317, 18065439)

Eurofins Ntd Llc (ga)
Classification: Pathogenic. Last evaluated: 2012-12-28. Review status: criteria provided, single submitter. Criteria: EGL Classification Definitions. Collection method: clinical testing. Allele origin: germline. Observed: 2 variant alleles, 2 heterozygotes.

PreventionGenetics, part of Exact Sciences
Classification: Pathogenic for OPA1-related condition. Last evaluated: 2024-02-15. Review status: no assertion criteria provided. Collection method: clinical testing. Allele origin: germline. Not counted in ClinVar's aggregate classification.
Comment: The OPA1 c.1800C>A variant is predicted to result in the amino acid substitution p.Ser600Arg. This variant has been reported in the heterozygous state in multiple unrelated individuals with optic atrophy (denoted as c.1635C>A [p.S545R] using alternate transcript NM_015560.2 in Nakamura et al. 2006. PubMed ID: 16513463; Yu-Wai-Man et al. 2011. PubMed ID: 20952381). An alternate variant (c.1800C>G) causing the same amino acid substitution has also been reported in individuals with optic atrophy (Amati-Bonneau et al. 2007. PubMed ID: 18158317; Hudson et al. 2008. PubMed ID: 18065439). This variant has not been documented in a large population database, indicating this variant is rare. Given the evidence, we interpret c.1800C>A (p.Ser600Arg) as pathogenic.

NM_130837.3(OPA1):c.1800C>A (p.Ser600Arg)

Genes: OPA1 (OPA1 mitochondrial dynamin like GTPase; plus strand), LOC126806913 (BRD4-independent group 4 enhancer GRCh37_chr3:193364377-193365576; plus strand). Cytogenetic location: 3q29.
Variant type: single nucleotide variant.
Coding change: c.1800C>A on transcript NM_130837.3 (MANE Select); coding-DNA position 1800, C replaced by A.
Protein change: p.Ser600Arg; replaces serine 600 with arginine.
Molecular consequence: missense variant.
Genome position (GRCh38, 1-based): chr3:193,647,110, C>A. VCF-style: chr3-193647110-C-A. GRCh37 (hg19) VCF-style: chr3-193364899-C-A.
Other names: c.1266C>A, p.Ser422Arg (NM_001354663.2); c.1263C>A, p.Ser421Arg (NM_001354664.2); c.1635C>A, p.Ser545Arg (NM_015560.3); c.1527C>A, p.Ser509Arg (NM_130831.3); c.1581C>A, p.Ser527Arg (NM_130832.3); c.1638C>A, p.Ser546Arg (NM_130833.3); c.1689C>A, p.Ser563Arg (NM_130834.3); c.1692C>A, p.Ser564Arg (NM_130835.3); and 2 more; short protein forms S600R, S509R, S527R, S546R, S422R, S563R, S421R, S564R.
Identifiers: ClinVar variation 95712 (VCV000095712.10), dbSNP rs398124298, ClinGen allele CA223205.
Genomic context (GRCh38, chr3:193,647,110, plus strand): 5'-ATTTTTTTTTAATAGGACAAGCATGCTAAAGGCACACCAAGTGACTACAAGAAATTTAAG[C>A]CTTGCAGTATCAGACTGCTTTTGGAAAATGGTACGAGAGTCTGTTGAACAACAGGCTGAT-3'
Protein context (NP_570850.2, residues 590-610): KAHQVTTRNL[Ser600Arg]LAVSDCFWKM